The following is an entry in ClinVar:

ClinVar aggregate classification (germline): Likely pathogenic (1 of 4 stars; one submission).

Submission:

Labcorp Genetics (formerly Invitae), Labcorp
Classification: Likely pathogenic. Last evaluated: 2021-12-21. Review status: criteria provided, single submitter. Criteria: Invitae Variant Classification Sherloc (09022015). Collection method: clinical testing. Allele origin: germline.
Comment: This sequence change replaces proline, which is neutral and non-polar, with arginine, which is basic and polar, at codon 471 of the UMOD protein (p.Pro471Arg). This variant is not present in population databases (gnomAD no frequency). In summary, the currently available evidence indicates that the variant is pathogenic, but additional data are needed to prove that conclusively. Therefore, this variant has been classified as Likely Pathogenic. Algorithms developed to predict the effect of missense changes on protein structure and function are either unavailable or do not agree on the potential impact of this missense change (SIFT: "Tolerated"; PolyPhen-2: "Probably Damaging"; Align-GVGD: "Class C0"). This missense change has been observed in individual(s) with clinical features of medullary cystic kidney disease (Invitae). In at least one individual the variant was observed to be de novo.

NM_003361.4(UMOD):c.1412C>G (p.Pro471Arg)

Gene: UMOD (uromodulin; minus strand). Cytogenetic location: 16p12.3.
Variant type: single nucleotide variant.
Coding change: c.1412C>G on transcript NM_003361.4 (MANE Select); coding-DNA position 1412, C replaced by G.
Protein change: p.Pro471Arg; replaces proline 471 with arginine.
Molecular consequence: missense variant. On other transcripts: non-coding transcript variant (1).
Genome position (GRCh38, 1-based): chr16:20,341,256, G>C on the plus strand (C>G on the coding strand, the complement: UMOD is on the minus strand). VCF-style: chr16-20341256-G-C. GRCh37 (hg19) VCF-style: chr16-20352578-G-C.
Other names: c.1412C>G, p.Pro471Arg (NM_001008389.3, NM_001378232.1, NM_001378233.1); c.1511C>G, p.Pro504Arg (NM_001278614.2); c.1553C>G, p.Pro518Arg (NM_001378234.1, NM_001378235.1); short protein forms P518R, P471R, P504R.
Identifiers: ClinVar variation 1422365 (VCV001422365.6), dbSNP rs2141648298, ClinGen allele CA394982487.
Genomic context (GRCh38, chr16:20,341,256, plus strand): 5'-AACATGGTGCCCACGTAGAGAAAAGCCTCAGTGGACAGTGTCACGGAGGAGCCTTGGTAG[G>C]GCTGCGTGTAGGAAGGGGTCTGGAAGAGCGCCATCCGCACGGTGAACATGCCGGTCCCGC-3'
Protein context (NP_003352.2, residues 461-481): ALFQTPSYTQ[Pro471Arg]YQGSSVTLST